The following is an entry in ClinVar:

NM_003151.4(STAT4):c.959G>A (p.Arg320Gln)

Gene: STAT4 (signal transducer and activator of transcription 4; minus strand). Cytogenetic location: 2q32.2.
Variant type: single nucleotide variant.
Coding change: c.959G>A on transcript NM_003151.4 (MANE Select); coding-DNA position 959, G replaced by A.
Protein change: p.Arg320Gln; replaces arginine 320 with glutamine.
Molecular consequence: missense variant.
Genome position (GRCh38, 1-based): chr2:191,061,804, C>T on the plus strand (G>A on the coding strand, the complement: STAT4 is on the minus strand). VCF-style: chr2-191061804-C-T. GRCh37 (hg19) VCF-style: chr2-191926530-C-T.
Other names: c.959G>A, p.Arg320Gln (NM_001243835.2); short protein forms R320Q.
Identifiers: ClinVar variation 1509695 (VCV001509695.8), dbSNP rs143642103, ClinGen allele CA2030738.
Genomic context (GRCh38, chr2:191,061,804, plus strand): 5'-AACTGAATTAGGGTTTTAAGTACCAACGGCCTCTGAGGGTGGGTTGGCATACATGGCTGT[C>T]GCTCAACCACAAATGAGCTAGATGAAAAGGAAATAAAGCGCATCATTTGAAAACACTGAA-3'
Protein context (NP_003142.1, residues 310-330): NLFKNSFVVE[Arg320Gln]QPCMPTHPQR

ClinVar aggregate classification (germline): Uncertain significance (1 of 4 stars; one submission).

Allele frequency attached by ClinVar (database versions not stated): gnomAD exomes 0.00001 and 0.00002; ExAC 0.00002; gnomAD 0.00004 and 0.00005; TOPMed 0.00007; ESP Exome Variant Server 0.00023.
gnomAD v4.1: 28 of 1,611,952 alleles (0.0017%); highest among the groups gnomAD compares: African/African-American, 0.011%; no homozygotes.

Submission:

Labcorp Genetics (formerly Invitae), Labcorp
Classification: Uncertain significance. Last evaluated: 2024-09-03. Review status: criteria provided, single submitter. Criteria: Invitae Variant Classification Sherloc (09022015). Collection method: clinical testing. Allele origin: germline.
Comment: This sequence change replaces arginine, which is basic and polar, with glutamine, which is neutral and polar, at codon 320 of the STAT4 protein (p.Arg320Gln). This variant is present in population databases (rs143642103, gnomAD 0.008%). This variant has not been reported in the literature in individuals affected with STAT4-related conditions. ClinVar contains an entry for this variant (Variation ID: 1509695). Invitae Evidence Modeling of protein sequence and biophysical properties (such as structural, functional, and spatial information, amino acid conservation, physicochemical variation, residue mobility, and thermodynamic stability) indicates that this missense variant is not expected to disrupt STAT4 protein function with a negative predictive value of 80%. In summary, the available evidence is currently insufficient to determine the role of this variant in disease. Therefore, it has been classified as a Variant of Uncertain Significance.